The following is an entry in ClinVar:

ClinVar aggregate classification (germline): Uncertain significance (1 of 4 stars; one submission).

Conditions:
PRKAG2-related cardiomyopathy. Identifiers: MedGen CN375941, MONDO:0800484.

Submission:

Victorian Clinical Genetics Services, Murdoch Childrens Research Institute
Classification: Uncertain significance for PRKAG2-related cardiomyopathy. Last evaluated: 2025-06-25. Review status: criteria provided, single submitter. Criteria: ACMG Guidelines, 2015. Collection method: clinical testing. Allele origin: germline. Affected: yes.
Comment: This variant is classified as VUS-3A. Evidence in support of pathogenic classification: Variant is absent from gnomAD (v2, v3 and v4); Missense variant predicted to be damaging by in silico tool(s) or highly conserved with a major amino acid change. Additional information: Variant is predicted to result in a missense amino acid change from valine to phenylalanine; This variant is heterozygous; This gene is associated with autosomal dominant disease; This variant has no previous evidence of pathogenicity; No published segregation evidence has been identified for this variant; No published functional evidence has been identified for this variant; No comparable missense variants have previous evidence for pathogenicity; Variant is located in the annotated CBS domain (DECIPHER); Loss of function is a known mechanism of disease in this gene and is associated with PRKAG2-related cardiomyopathy (MONDO:0800484); Variants in this gene are known to have variable expressivity. Intrafamilial and interfamilial variable expressivity have been reported (PMIDs: 11407343, 28431061); Inheritance information for this variant is not currently available in this individual.

Literature cited by the submitters: PubMed 28431061; PubMed 11407343.

NM_016203.4(PRKAG2):c.844G>T (p.Val282Phe)

Gene: PRKAG2 (protein kinase AMP-activated non-catalytic subunit gamma 2; minus strand). Cytogenetic location: 7q36.1.
Variant type: single nucleotide variant.
Coding change: c.844G>T on transcript NM_016203.4 (MANE Select); coding-DNA position 844, G replaced by T.
Protein change: p.Val282Phe; replaces valine 282 with phenylalanine.
Molecular consequence: missense variant.
Genome position (GRCh38, 1-based): chr7:151,595,365, C>A on the plus strand (G>T on the coding strand, the complement: PRKAG2 is on the minus strand). VCF-style: chr7-151595365-C-A. GRCh37 (hg19) VCF-style: chr7-151292451-C-A.
Other names: c.469G>T, p.Val157Phe (NM_001407029.1, NM_001304527.2); c.556G>T, p.Val186Phe (NM_001407030.1); c.553G>T, p.Val185Phe (NM_001407031.1); c.526G>T, p.Val176Phe (NM_001407032.1); c.520G>T, p.Val174Phe (NM_001407033.1); c.121G>T, p.Val41Phe (NM_001407034.1, NM_001407035.1, NM_024429.2 and 1 more transcripts); c.118G>T, p.Val40Phe (NM_001407036.1, NM_001407039.1, NM_001407040.1); c.181G>T, p.Val61Phe (NM_001407037.1); and 6 more; short protein forms V157F, V158F, V174F, V176F, V185F, V186F, V237F, V238F.
Identifiers: ClinVar variation 4532062 (VCV004532062.1).